The following is an entry in ClinVar:

ClinVar aggregate classification (germline): Benign (1 of 4 stars; one submission).

Allele frequency attached by ClinVar (database versions not stated): gnomAD 0.23327 and 0.23503; TOPMed 0.23332; 1000 Genomes Project 30x 0.23704; 1000 Genomes Project 0.23762; gnomAD exomes 0.25060.
gnomAD v4.1: 328,675 of 1,319,486 alleles (25%); highest among the groups gnomAD compares: Middle Eastern, 35%; 42,438 homozygotes.

Submission:

GeneDx
Classification: Benign. Last evaluated: 2018-06-19. Review status: criteria provided, single submitter. Criteria: GeneDx Variant Classification (06012015). Collection method: clinical testing. Allele origin: germline. Affected: yes.
Comment: This variant is considered likely benign or benign based on one or more of the following criteria: it is a conservative change, it occurs at a poorly conserved position in the protein, it is predicted to be benign by multiple in silico algorithms, and/or has population frequency not consistent with disease.

NM_001377.3(DYNC2H1):c.7140+112T>C

Gene: DYNC2H1 (dynein cytoplasmic 2 heavy chain 1; plus strand). Cytogenetic location: 11q22.3.
Variant type: single nucleotide variant.
Coding change: c.7140+112T>C on transcript NM_001377.3 (MANE Select); 112 bases into the intron after coding-DNA position 7140, T replaced by C.
Molecular consequence: intron variant.
Genome position (GRCh38, 1-based): chr11:103,187,698, T>C. VCF-style: chr11-103187698-T-C. GRCh37 (hg19) VCF-style: chr11-103058427-T-C.
Other names: c.7140+112T>C (NM_001080463.2).
Identifiers: ClinVar variation 675031 (VCV000675031.1), dbSNP rs1352415, ClinGen allele CA13573771.